The following is an entry in ClinVar:

NM_001127644.2(GABRA1):c.167G>A (p.Arg56His)

Gene: GABRA1 (gamma-aminobutyric acid type A receptor subunit alpha1; plus strand). Cytogenetic location: 5q34.
Variant type: single nucleotide variant.
Coding change: c.167G>A on transcript NM_001127644.2 (MANE Select); coding-DNA position 167, G replaced by A.
Protein change: p.Arg56His; replaces arginine 56 with histidine.
Molecular consequence: missense variant.
Genome position (GRCh38, 1-based): chr5:161,854,250, G>A. VCF-style: chr5-161854250-G-A. GRCh37 (hg19) VCF-style: chr5-161281256-G-A.
Other names: c.167G>A, p.Arg56His (NM_000806.5, NM_001127643.2, NM_001127645.2 and 1 more transcripts); short protein forms R56H.
Identifiers: ClinVar variation 2036958 (VCV002036958.5), dbSNP rs2532205090, ClinGen allele CA362181649.

ClinVar aggregate classification (germline): Uncertain significance. Review status: criteria provided, multiple submitters, no conflicts (2 of 4 stars). 2 submissions from 2 submitters: Uncertain significance (2). Last evaluated 2025-03-07.

Conditions:
Developmental and epileptic encephalopathy, 19 (DEE19). Also called: Epileptic encephalopathy, early infantile, 19. Identifiers: Orphanet 33069, MedGen C3810400, MONDO:0014328, OMIM 615744.
Epilepsy, idiopathic generalized, susceptibility to, 13. Also called: EPILEPSY, JUVENILE MYOCLONIC, SUSCEPTIBILITY TO, 5. Identifiers: Orphanet 307, Orphanet 64280, MedGen C4013473, MONDO:0012627, OMIM 611136.
Idiopathic generalized epilepsy. Also called: Generalised epilepsy; EIG. Identifiers: MedGen C0270850, MONDO:0005579, OMIM 600669.
Epilepsy, childhood absence 4 (ECA4). Also called: EPILEPSY, CHILDHOOD ABSENCE, SUSCEPTIBILITY TO, 4. Identifiers: Orphanet 307, MedGen C1970160.

Submissions (2):

3billion
Classification: Uncertain significance for Developmental and epileptic encephalopathy, 19. Last evaluated: 2025-03-07. Review status: criteria provided, single submitter. Criteria: ACMG Guidelines, 2015. Collection method: clinical testing. Allele origin: germline. Affected: yes.
Comment: The variant is not observed in the gnomAD v4.1.0 dataset. Predicted Consequence/Location: Missense variant. Missense changes are a common disease-causing mechanism. In silico tool predictions suggest damaging effect of the variant on gene or gene product [REVEL: 0.77 (>=0.6, sensitivity 0.68 and specificity 0.92)]. A different missense change at the same codon (p.Arg56Cys) has been reported to be associated with GABRA1-related disorder (ClinVar ID: VCV003518166). Therefore, this variant is classified as VUS according to the recommendation of ACMG/AMP guideline.

Labcorp Genetics (formerly Invitae), Labcorp
Classification: Uncertain significance for Epilepsy, childhood absence 4; Epilepsy, idiopathic generalized, susceptibility to, 13; Idiopathic generalized epilepsy. Last evaluated: 2024-05-21. Review status: criteria provided, single submitter. Criteria: Invitae Variant Classification Sherloc (09022015). Collection method: clinical testing. Allele origin: germline.
Comment: This sequence change replaces arginine, which is basic and polar, with histidine, which is basic and polar, at codon 56 of the GABRA1 protein (p.Arg56His). This variant is not present in population databases (gnomAD no frequency). This variant has not been reported in the literature in individuals affected with GABRA1-related conditions. ClinVar contains an entry for this variant (Variation ID: 2036958). Advanced modeling of protein sequence and biophysical properties (such as structural, functional, and spatial information, amino acid conservation, physicochemical variation, residue mobility, and thermodynamic stability) performed at Invitae indicates that this missense variant is expected to disrupt GABRA1 protein function with a positive predictive value of 95%. In summary, the available evidence is currently insufficient to determine the role of this variant in disease. Therefore, it has been classified as a Variant of Uncertain Significance.